The following is an entry in ClinVar:

NM_001111.5(ADAR):c.2493G>C (p.Lys831Asn)

Gene: ADAR (adenosine deaminase RNA specific; minus strand). Cytogenetic location: 1q21.3.
Variant type: single nucleotide variant.
Coding change: c.2493G>C on transcript NM_001111.5 (MANE Select); coding-DNA position 2493, G replaced by C.
Protein change: p.Lys831Asn; replaces lysine 831 with asparagine.
Molecular consequence: missense variant. On other transcripts: intron variant (3).
Genome position (GRCh38, 1-based): chr1:154,590,187, C>G on the plus strand (G>C on the coding strand, the complement: ADAR is on the minus strand). VCF-style: chr1-154590187-C-G. GRCh37 (hg19) VCF-style: chr1-154562663-C-G.
Other names: c.2418+75G>C (NM_015840.4); c.1533+75G>C (NM_001365049.1); c.2361+75G>C (NM_015841.4); c.1608G>C, p.Lys536Asn (NM_001025107.3, NM_001193495.2, NM_001365046.1 and 2 more transcripts); c.2520G>C, p.Lys840Asn (NM_001365045.1); short protein forms K840N, K536N, K831N.
Identifiers: ClinVar variation 4788367 (VCV004788367.1).

ClinVar aggregate classification (germline): Uncertain significance (1 of 4 stars; one submission).

Conditions:
Aicardi-Goutieres syndrome 6 (AGS6). Identifiers: Orphanet 51, MedGen C3539013, MONDO:0014007, OMIM 615010.
Symmetrical dyschromatosis of extremities (DSH). Also called: DYSCHROMATOSIS SYMMETRICA HEREDITARIA 1; RETICULATE ACROPIGMENTATION OF DOHI; SYMMETRIC DYSCHROMATOSIS OF THE EXTREMITIES; Dyschromatosis symmetrica hereditaria. Identifiers: Orphanet 41, MedGen C0406775, MONDO:0007483, OMIM 127400.

Submission:

Labcorp Genetics (formerly Invitae), Labcorp
Classification: Uncertain significance for Aicardi-Goutieres syndrome 6; Symmetrical dyschromatosis of extremities. Last evaluated: 2026-01-17. Review status: criteria provided, single submitter. Criteria: Invitae Variant Classification Sherloc (09022015). Collection method: clinical testing. Allele origin: germline.
Comment: This sequence change replaces lysine, which is basic and polar, with asparagine, which is neutral and polar, at codon 831 of the ADAR protein (p.Lys831Asn). This variant is not present in population databases (gnomAD no frequency). This variant has not been reported in the literature in individuals affected with ADAR-related conditions. Invitae Evidence Modeling of protein sequence and biophysical properties (such as structural, functional, and spatial information, amino acid conservation, physicochemical variation, residue mobility, and thermodynamic stability) indicates that this missense variant is not expected to disrupt ADAR protein function with a negative predictive value of 80%. In summary, the available evidence is currently insufficient to determine the role of this variant in disease. Therefore, it has been classified as a Variant of Uncertain Significance.